The following is an entry in ClinVar:

NM_001355436.2(SPTB):c.590A>G (p.Asn197Ser)

Gene: SPTB (spectrin beta, erythrocytic; minus strand). Cytogenetic location: 14q23.3.
Variant type: single nucleotide variant.
Coding change: c.590A>G on transcript NM_001355436.2 (MANE Select); coding-DNA position 590, A replaced by G.
Protein change: p.Asn197Ser; replaces asparagine 197 with serine.
Molecular consequence: missense variant.
Genome position (GRCh38, 1-based): chr14:64,801,811, T>C on the plus strand (A>G on the coding strand, the complement: SPTB is on the minus strand). VCF-style: chr14-64801811-T-C. GRCh37 (hg19) VCF-style: chr14-65268529-T-C.
Other names: c.590A>G, p.Asn197Ser (NM_001024858.4, NM_001355437.2); short protein forms N197S.
Identifiers: ClinVar variation 2766102 (VCV002766102.3), dbSNP rs2503210795, ClinGen allele CA390032108.

ClinVar aggregate classification (germline): Uncertain significance (1 of 4 stars; one submission).

Submission:

Labcorp Genetics (formerly Invitae), Labcorp
Classification: Uncertain significance. Last evaluated: 2023-10-22. Review status: criteria provided, single submitter. Criteria: Invitae Variant Classification Sherloc (09022015). Collection method: clinical testing. Allele origin: germline.
Comment: This sequence change replaces asparagine, which is neutral and polar, with serine, which is neutral and polar, at codon 197 of the SPTB protein (p.Asn197Ser). This variant is not present in population databases (gnomAD no frequency). This variant has not been reported in the literature in individuals affected with SPTB-related conditions. An algorithm developed to predict the effect of missense changes on protein structure and function (PolyPhen-2) suggests that this variant is likely to be disruptive. In summary, the available evidence is currently insufficient to determine the role of this variant in disease. Therefore, it has been classified as a Variant of Uncertain Significance.